The following is an entry in ClinVar:

ClinVar aggregate classification (germline): Benign/Likely benign. Review status: criteria provided, multiple submitters, no conflicts (2 of 4 stars). 12 submissions from 12 submitters: Benign (5); Likely benign (4). 3 of the submissions do not count toward it. Last evaluated 2026-02-03.

Conditions:
Cardiovascular phenotype. Identifiers: MedGen CN230736.
Monogenic diabetes. Identifiers: Orphanet 183625, MedGen C3888631, MONDO:0015967.
Alstrom syndrome (ALMS). Identifiers: Orphanet 64, MedGen C0268425, MONDO:0008763, OMIM 203800.

Allele frequency attached by ClinVar (database versions not stated): gnomAD exomes 0.00080 and 0.00210; ExAC 0.00210; gnomAD 0.00401 and 0.00429; TOPMed 0.00468; ESP Exome Variant Server 0.00471; 1000 Genomes Project 0.00479; 1000 Genomes Project 30x 0.00531.
gnomAD v4.1: 1,866 of 1,614,148 alleles (0.12%); highest among the groups gnomAD compares: African/African-American, 1.3%; 18 homozygotes.

Submissions (12):

Labcorp Genetics (formerly Invitae), Labcorp
Classification: Benign for Alstrom syndrome. Last evaluated: 2026-02-03. Review status: criteria provided, single submitter. Criteria: Invitae Variant Classification Sherloc (09022015). Collection method: clinical testing. Allele origin: germline.

Fulgent Genetics
Classification: Likely benign for Alstrom syndrome. Last evaluated: 2021-09-13. Review status: criteria provided, single submitter. Criteria: ACMG Guidelines, 2015. Collection method: clinical testing. Allele origin: unknown.

GeneDx
Classification: Benign. Last evaluated: 2019-03-01. Review status: criteria provided, single submitter. Criteria: GeneDx Variant Classification Process June 2021. Collection method: clinical testing. Allele origin: germline. Affected: yes.

Ambry Genetics
Classification: Benign for Cardiovascular phenotype. Last evaluated: 2019-02-28. Review status: criteria provided, single submitter. Criteria: Ambry Variant Classification Scheme 2023. Collection method: clinical testing. Allele origin: germline.

Genetic Services Laboratory, University of Chicago
Classification: Benign. Last evaluated: 2018-09-27. Review status: criteria provided, single submitter. Criteria: ACMG Guidelines, 2015. Collection method: clinical testing. Allele origin: germline. Affected: no.

Personalized Diabetes Medicine Program, University of Maryland School of Medicine
Classification: Benign for Monogenic diabetes. Last evaluated: 2018-05-18. Review status: criteria provided, single submitter. Criteria: ACMG Guidelines, 2015. Collection method: research. Allele origin: unknown. Observed: 4 variant alleles, 4 heterozygotes.
Comment: ACMG criteria: BP4 (9 predictors), REVEL of 0.052, BS1 (1.93% in Ashkenazi Jewish and 1.33% in Africans), BS2 (5 homozygotes in African and European ExAC), BP1 (missense in gene with truncating cause disease), NOTE: in LD with rs58093963=benign

Center for Pediatric Genomic Medicine, Children's Mercy Hospital and Clinics
Classification: Likely benign. Last evaluated: 2016-02-10. Review status: criteria provided, single submitter. Criteria: ACMG Guidelines, 2015. Collection method: clinical testing. Allele origin: germline.
ClinVar note: Converted during submission from Likely Benign to Likely benign.

Breakthrough Genomics
Classification: Likely benign. Review status: criteria provided, single submitter. Criteria: ACMG Guidelines, 2015. Collection method: not provided. Allele origin: germline. Inheritance: Autosomal recessive inheritance. Affected: yes.

Clinical Genomics, Uppaluri K&H Personalized Medicine Clinic
Classification: Likely benign for Alstrom syndrome. Review status: criteria provided, single submitter. Criteria: K & H Uppaluri Personalized Medicine Clinic Variant Classification & Assertion Criteria_Updated V.1. Collection method: research. Allele origin: unknown. Inheritance: Autosomal recessive inheritance.
Comment: Potent mutations in ALMS1 are associated with a rare condition called Alstrom syndrome. It can cause excessive eating, insulin resistance. However, no evidence is found to ascertain the role of rs75145370 in Alstrom syndrome yet.

Natera, Inc.
Classification: Benign for Alstrom syndrome. Last evaluated: 2019-12-02. Review status: no assertion criteria provided. Collection method: clinical testing. Allele origin: germline. Not counted in ClinVar's aggregate classification.

Genome Diagnostics Laboratory, University Medical Center Utrecht
Classification: Benign. Review status: no assertion criteria provided. Collection method: clinical testing. Allele origin: germline. Affected: yes. Study: VKGL Data-share Consensus. Not counted in ClinVar's aggregate classification.

Laboratory of Diagnostic Genome Analysis, Leiden University Medical Center (LUMC)
Classification: Likely benign. Review status: no assertion criteria provided. Collection method: clinical testing. Allele origin: germline. Affected: yes. Study: VKGL Data-share Consensus. Not counted in ClinVar's aggregate classification.

Literature cited by the submitters: PubMed 34148947 (cited by Clinical Genomics, Uppaluri K&H Personalized Medicine Clinic); PubMed 25846608 (cited by Clinical Genomics, Uppaluri K&H Personalized Medicine Clinic); PubMed 30421101 (cited by Clinical Genomics, Uppaluri K&H Personalized Medicine Clinic); PubMed 33669459 (cited by Clinical Genomics, Uppaluri K&H Personalized Medicine Clinic).

NM_001378454.1(ALMS1):c.7268A>G (p.Asn2423Ser)

Gene: ALMS1 (ALMS1 centrosome and basal body associated protein; plus strand). Cytogenetic location: 2p13.1.
Variant type: single nucleotide variant.
Coding change: c.7268A>G on transcript NM_001378454.1 (MANE Select); coding-DNA position 7268, A replaced by G.
Protein change: p.Asn2423Ser; replaces asparagine 2423 with serine.
Molecular consequence: missense variant.
Genome position (GRCh38, 1-based): chr2:73,453,795, A>G. VCF-style: chr2-73453795-A-G. GRCh37 (hg19) VCF-style: chr2-73680922-A-G.
Other names: c.7271A>G, p.Asn2424Ser (NM_015120.4); short protein forms N2424S, N2423S.
Identifiers: ClinVar variation 235621 (VCV000235621.74), dbSNP rs75145370, ClinGen allele CA1714202.
Genomic context (GRCh38, chr2:73,453,795, plus strand): 5'-TTATTATCCCTATGATGACTGTCATAAAAAGTGATTCAAGTAGTGATGCCAGTGATGGAA[A>G]TGGTTCCTGCTCGTGGGACAGTAATTTACCAGAGTCTTTGGAATCAGTTTCTGATGTTCT-3'
Protein context (NP_001365383.1, residues 2413-2433): SDSSSDASDG[Asn2423Ser]GSCSWDSNLP